The following is an entry in ClinVar:

ClinVar aggregate classification (germline): Pathogenic/Likely pathogenic. Review status: criteria provided, multiple submitters, no conflicts (2 of 4 stars). 3 submissions from 3 submitters: Pathogenic (2); Likely pathogenic (1). Last evaluated 2025-10-01.

Conditions:
Ullrich congenital muscular dystrophy 2 (UCMD2). Identifiers: Orphanet 75840, MedGen C4225314, MONDO:0014654, OMIM 616470.
Bethlem myopathy 2 (BTHLM2). Identifiers: Orphanet 536516, Orphanet 610, MedGen C4225313, MONDO:0034022, OMIM 616471.

Submissions (3):

GeneDx
Classification: Likely pathogenic. Last evaluated: 2025-10-01. Review status: criteria provided, single submitter. Criteria: GeneDx Variant Classification Process June 2021. Collection method: clinical testing. Allele origin: germline.
Comment: Frameshift variant predicted to result in protein truncation or nonsense mediated decay in a gene for which loss of function is a known mechanism of disease; Not observed at significant frequency in large population cohorts (gnomAD); Has not been previously published as pathogenic or benign to our knowledge

Women's Health and Genetics/Laboratory Corporation of America, LabCorp
Classification: Pathogenic for Ullrich congenital muscular dystrophy 2. Last evaluated: 2025-01-14. Review status: criteria provided, single submitter. Criteria: LabCorp Variant Classification Summary - May 2015. Collection method: clinical testing. Allele origin: germline.
Comment: Variant summary: COL12A1 c.6819delT (p.Phe2273LeufsX20) results in a premature termination codon, predicted to cause a truncation of the encoded protein or absence of the protein due to nonsense mediated decay, which are commonly known mechanisms for disease. The variant was absent in 248990 control chromosomes. To our knowledge, no occurrence of c.6819delT in individuals affected with Ullrich congenital muscular dystrophy 2 and no experimental evidence demonstrating its impact on protein function have been reported. ClinVar contains an entry for this variant (Variation ID: 1453491). Based on the evidence outlined above, the variant was classified as pathogenic.

Labcorp Genetics (formerly Invitae), Labcorp
Classification: Pathogenic for Bethlem myopathy 2; Ullrich congenital muscular dystrophy 2. Last evaluated: 2021-06-12. Review status: criteria provided, single submitter. Criteria: Invitae Variant Classification Sherloc (09022015). Collection method: clinical testing. Allele origin: germline.
Comment: This sequence change creates a premature translational stop signal (p.Phe2273Leufs*20) in the COL12A1 gene. It is expected to result in an absent or disrupted protein product. Loss-of-function variants in COL12A1 are known to be pathogenic (PMID: 24334604, 28973083). For these reasons, this variant has been classified as Pathogenic. This variant has not been reported in the literature in individuals with COL12A1-related conditions. This variant is not present in population databases (ExAC no frequency).

Literature cited by the submitters: PubMed 24334604 (cited by Labcorp Genetics (formerly Invitae), Labcorp); PubMed 28973083 (cited by Labcorp Genetics (formerly Invitae), Labcorp).

NM_004370.6(COL12A1):c.6819del (p.Phe2273fs)

Gene: COL12A1 (collagen type XII alpha 1 chain; minus strand). Cytogenetic location: 6q13.
Variant type: Deletion.
Coding change: c.6819del on transcript NM_004370.6 (MANE Select); coding-DNA position 6819, one base deleted (T; older notation c.6819delT).
Protein change: p.Phe2273fs; shifts the reading frame from phenylalanine 2273.
Molecular consequence: frameshift variant.
Genome position (GRCh38, 1-based): chr6:75,124,000, A deleted on the plus strand (T on the coding strand, the reverse complement: COL12A1 is on the minus strand); the first of 5 consecutive A bases (chr6:75,124,000-75,124,004); deleting any one gives the same sequence. VCF-style (leftmost placement, unchanged base first): chr6-75123999-CA-C. GRCh37 (hg19) VCF-style: chr6-75833715-CA-C.
Other names: c.3327del, p.Phe1109fs (NM_080645.3); c.6819delT (NM_004370.6); short protein forms F1109fs, F2273fs.
Identifiers: ClinVar variation 1453491 (VCV001453491.11), dbSNP rs1765881602, ClinGen allele CA450919837.